The following is an entry in ClinVar:

NM_006231.4(POLE):c.6449C>T (p.Ser2150Phe)

Gene: POLE (DNA polymerase epsilon, catalytic subunit; minus strand). Cytogenetic location: 12q24.33.
Variant type: single nucleotide variant.
Coding change: c.6449C>T on transcript NM_006231.4 (MANE Select); coding-DNA position 6449, C replaced by T.
Protein change: p.Ser2150Phe; replaces serine 2150 with phenylalanine.
Molecular consequence: missense variant.
Genome position (GRCh38, 1-based): chr12:132,626,199, G>A on the plus strand (C>T on the coding strand, the complement: POLE is on the minus strand). VCF-style: chr12-132626199-G-A. GRCh37 (hg19) VCF-style: chr12-133202785-G-A.
Other names: short protein forms S2150F.
Identifiers: ClinVar variation 1035658 (VCV001035658.8), dbSNP rs1593697508, ClinGen allele CA387367498.
Genomic context (GRCh38, chr12:132,626,199, plus strand): 5'-CACAGGTCCAGGTCGCGGCAGAAGTTACAGCTGCGGCAGATGACCTCAGGAAGCACGTAG[G>A]AGCGGCAGGGGTCTCGGAACTGGGCCTCCTCGGAGAACTCGCCGACATCCACCAGGCGAA-3'
Protein context (NP_006222.2, residues 2140-2160): EEAQFRDPCR[Ser2150Phe]YVLPEVICRS

ClinVar aggregate classification (germline): Uncertain significance (1 of 4 stars; one submission).

Submission:

Labcorp Genetics (formerly Invitae), Labcorp
Classification: Uncertain significance. Last evaluated: 2022-05-16. Review status: criteria provided, single submitter. Criteria: Invitae Variant Classification Sherloc (09022015). Collection method: clinical testing. Allele origin: germline.
Comment: In summary, the available evidence is currently insufficient to determine the role of this variant in disease. Therefore, it has been classified as a Variant of Uncertain Significance. This sequence change replaces serine, which is neutral and polar, with phenylalanine, which is neutral and non-polar, at codon 2150 of the POLE protein (p.Ser2150Phe). This variant is not present in population databases (gnomAD no frequency). This variant has not been reported in the literature in individuals affected with POLE-related conditions. ClinVar contains an entry for this variant (Variation ID: 1035658). Algorithms developed to predict the effect of missense changes on protein structure and function are either unavailable or do not agree on the potential impact of this missense change (SIFT: "Deleterious"; PolyPhen-2: "Probably Damaging"; Align-GVGD: "Class C0").